The following is an entry in ClinVar:

ClinVar aggregate classification (germline): Uncertain significance. Review status: criteria provided, multiple submitters, no conflicts (2 of 4 stars). 2 submissions from 2 submitters: Uncertain significance (2). Last evaluated 2023-10-18.

Conditions:
Ataxia-telangiectasia syndrome (AT). Also called: LOUIS-BAR SYNDROME; Cerebello-oculocutaneous telangiectasia; Immunodeficiency with ataxia telangiectasia; Ataxia-telangiectasia, complementation group D; AT, COMPLEMENTATION GROUP C; Ataxia-telangiectasia, complementation group E. Identifiers: Orphanet 100, MedGen C0004135, MONDO:0008840, OMIM 208900.

Submissions (2):

Labcorp Genetics (formerly Invitae), Labcorp
Classification: Uncertain significance for Ataxia-telangiectasia syndrome. Last evaluated: 2023-10-18. Review status: criteria provided, single submitter. Criteria: Invitae Variant Classification Sherloc (09022015). Collection method: clinical testing. Allele origin: germline.
Comment: This variant, c.7491_7499del, results in the deletion of 3 amino acid(s) of the ATM protein (p.Ser2498_Val2500del), but otherwise preserves the integrity of the reading frame. This variant is not present in population databases (gnomAD no frequency). This variant has not been reported in the literature in individuals affected with ATM-related conditions. ClinVar contains an entry for this variant (Variation ID: 423227). Experimental studies and prediction algorithms are not available or were not evaluated, and the functional significance of this variant is currently unknown. In summary, the available evidence is currently insufficient to determine the role of this variant in disease. Therefore, it has been classified as a Variant of Uncertain Significance.

GeneDx
Classification: Uncertain significance. Last evaluated: 2017-01-26. Review status: criteria provided, single submitter. Criteria: GeneDx Variant Classification (06012015). Collection method: clinical testing. Allele origin: germline. Affected: yes.
Comment: This in-frame deletion of nine nucleotides in ATM is denoted c.7491_7499delTTCTGAAGT at the cDNA level and p.Ser2498_Val2500del (S2498_V2500del) at the protein level. The normal sequence, with the bases that are deleted in brackets, is GAGT[delTTCTGAAGT]CAAT. This deletion occurs in a region that is not conserved and is located in the FAT domain (Stracker 2013). This variant has not, to our knowledge, been published in the literature as pathogenic or benign. Since in-frame deletions may or may not inhibit proper protein functioning, the clinical significance of this finding remains unclear at this time and we consider ATM Ser2498_Val2500del to be a variant of uncertain significance.

NM_000051.4(ATM):c.7491_7499del (p.Ser2498_Val2500del)

Genes: ATM (ATM serine/threonine kinase; plus strand), C11orf65 (chromosome 11 open reading frame 65; minus strand). Cytogenetic location: 11q22.3.
Variant type: Deletion.
Coding change: c.7491_7499del on transcript NM_000051.4 (MANE Select); coding-DNA positions 7491 to 7499, 9 bases deleted (TTCTGAAGT; older notation c.7491_7499delTTCTGAAGT).
Protein change: p.Ser2498_Val2500del.
Molecular consequence: inframe deletion. On other transcripts: intron variant (2).
Genome position (GRCh38, 1-based): chr11:108,330,397-108,330,405, TTCTGAAGT deleted; deleting any 9 consecutive bases within chr11:108,330,394-108,330,405 gives the same sequence; the c. name uses the placement nearest the transcript's 3' end. VCF-style (leftmost placement, unchanged base first): chr11-108330393-GAGTTTCTGA-G. GRCh37 (hg19) VCF-style: chr11-108201120-GAGTTTCTGA-G.
Other names: c.7491_7499del, p.Ser2498_Val2500del (NM_001351834.2); c.641-21331_641-21323del (NM_001330368.2); c.*38+4818_*38+4826del (NM_001351110.2).
Identifiers: ClinVar variation 423227 (VCV000423227.7), dbSNP rs1064796307, ClinGen allele CA16619233.